The following is an entry in ClinVar:

ClinVar aggregate classification (germline): Pathogenic (0 of 4 stars; one submission).

Conditions:
Mucolipidosis type II. Also called: Mucolipidosis 2; ML 2; Inclusion cell disease; Leroy Disease; N-acetylglucosamine 1phosphotransferase deficiency; ML disorder type 2. Identifiers: Orphanet 576, MedGen C2673377, MONDO:0009650, OMIM 252500.

Submission:

GeneReviews
Classification: Pathogenic for Mucolipidosis II. Last evaluated: 2012-05-10. Review status: no assertion criteria provided. Collection method: curation. Allele origin: unknown.
ClinVar note: Converted during submission from pathologic to Pathogenic.

GNPTAB:c.1895C>G

Variant type: single nucleotide variant.
Identifiers: ClinVar variation 65525 (VCV000065525.3).